The following is an entry in ClinVar:

ClinVar aggregate classification (germline): Likely pathogenic (1 of 4 stars; one submission).

Conditions:
TTN-related disorder. Also called: TTN-related condition; TTN-related disease; TTN-related disorders.

Submission:

PreventionGenetics, part of Exact Sciences
Classification: Likely pathogenic for TTN-related condition. Last evaluated: 2026-07-15. Review status: criteria provided, single submitter. Criteria: ACMG Guidelines, 2015. Collection method: clinical testing. Allele origin: germline.
Comment: The TTN c.44045delA variant is predicted to result in a frameshift and premature protein termination (p.His14682Profs*5). To our knowledge, this variant has not been reported in the literature or in a large population database (gnomAD), indicating this variant is rare. This variant is located in the TTN protein I-band region. RNAseq studies from heart tissue indicate this exon is commonly included in TTN mRNA transcripts (PSI of 100%, Roberts et al. 2015. PubMed ID: 25589632). TTN loss-of-function variants occurring in constitutively expressed exons (PSI > 90%) are more likely to be disease causing for TTN cardiac-related disorders regardless of band location (Roberts et al. 2015. PubMed ID: 25589632; Schafer et al. 2017. PubMed ID: 27869827; Akhtar et al. 2020. PubMed ID: 32964742). Many cases of recessive TTN-related myopathies in which the individual is compound heterozygous for two loss-of-function variants in TTN have also been reported (Oates et al. 2018. PubMed ID: 29691892; Ge et al. 2019. PubMed ID: 31053406; Rees et al. 2021. PubMed ID: 33449170). In summary, this variant is categorized as likely pathogenic. Of note, this variant is considered likely pathogenic for increased risk of TTN-related cardiac disorders, and also for autosomal recessive TTN-related congenital titinopathies.

NM_001267550.2(TTN):c.44045del (p.His14682fs)

Gene: TTN (titin; minus strand). Cytogenetic location: 2q31.2.
Variant type: Deletion.
Coding change: c.44045del on transcript NM_001267550.2 (MANE Select); coding-DNA position 44045, one base deleted (A; older notation c.44045delA).
Protein change: p.His14682fs; shifts the reading frame from histidine 14682.
Molecular consequence: frameshift variant.
Genome position (GRCh38, 1-based): chr2:178,630,913, T deleted on the plus strand (A on the coding strand, the reverse complement: TTN is on the minus strand). VCF-style (leftmost placement, unchanged base first): chr2-178630912-GT-G. GRCh37 (hg19) VCF-style: chr2-179495639-GT-G.
Other names: c.44045delA (NM_001267550.2); c.39122del, p.His13041fs (NM_001256850.1); c.16850del, p.His5617fs (NM_003319.4); c.36341del, p.His12114fs (NM_133378.4); c.17225del, p.His5742fs (NM_133432.3); c.17426del, p.His5809fs (NM_133437.4); short protein forms H12114fs, H14682fs, H5809fs, H13041fs, H5617fs, H5742fs.
Identifiers: ClinVar variation 4996010 (VCV004996010.1).